The following is an entry in ClinVar:

NM_015450.3(POT1):c.1633A>G (p.Thr545Ala)

Gene: POT1 (protection of telomeres 1; minus strand). Cytogenetic location: 7q31.33.
Variant type: single nucleotide variant.
Coding change: c.1633A>G on transcript NM_015450.3 (MANE Select); coding-DNA position 1633, A replaced by G.
Protein change: p.Thr545Ala; replaces threonine 545 with alanine.
Molecular consequence: missense variant. On other transcripts: non-coding transcript variant (3).
Genome position (GRCh38, 1-based): chr7:124,827,267, T>C on the plus strand (A>G on the coding strand, the complement: POT1 is on the minus strand). VCF-style: chr7-124827267-T-C. GRCh37 (hg19) VCF-style: chr7-124467321-T-C.
Other names: c.1240A>G, p.Thr414Ala (NM_001042594.2); short protein forms T414A, T545A.
Identifiers: ClinVar variation 1035882 (VCV001035882.9), dbSNP rs1794653233, ClinGen allele CA369063105.

ClinVar aggregate classification (germline): Uncertain significance (1 of 4 stars; one submission).

Conditions:
Tumor predisposition syndrome 3 (TPDS3). Also called: Melanoma, cutaneous malignant, susceptibility to, 10; Glioma susceptibility 9; LONG TELOMERE SYNDROME, POT1-RELATED; POT1 Tumor Predisposition. Identifiers: Orphanet 618, MedGen C4014476, MONDO:0014368, OMIM 615848.

Allele frequency attached by ClinVar (database versions not stated): gnomAD exomes below 0.00001.
gnomAD v4.1: 1 of 1,600,674 alleles (0.000062%); highest among the groups gnomAD compares: South Asian, 0.0011%; no homozygotes.

Submission:

Labcorp Genetics (formerly Invitae), Labcorp
Classification: Uncertain significance for Tumor predisposition syndrome 3. Last evaluated: 2020-06-01. Review status: criteria provided, single submitter. Criteria: Invitae Variant Classification Sherloc (09022015). Collection method: clinical testing. Allele origin: germline.
Comment: This sequence change replaces threonine with alanine at codon 545 of the POT1 protein (p.Thr545Ala). The threonine residue is moderately conserved and there is a small physicochemical difference between threonine and alanine. This variant is not present in population databases (ExAC no frequency). This variant has not been reported in the literature in individuals with POT1-related conditions. Algorithms developed to predict the effect of missense changes on protein structure and function (SIFT, PolyPhen-2, Align-GVGD) all suggest that this variant is likely to be tolerated, but these predictions have not been confirmed by published functional studies and their clinical significance is uncertain. In summary, the available evidence is currently insufficient to determine the role of this variant in disease. Therefore, it has been classified as a Variant of Uncertain Significance.